The following is an entry in ClinVar:

ClinVar aggregate classification (germline): Uncertain significance (1 of 4 stars; one submission).

Conditions:
Epilepsy, familial focal, with variable foci 3 (FFEVF3). Identifiers: MedGen C4310708, MONDO:0014925, OMIM 617118.

Submission:

Labcorp Genetics (formerly Invitae), Labcorp
Classification: Uncertain significance for Epilepsy, familial focal, with variable foci 3. Last evaluated: 2023-12-06. Review status: criteria provided, single submitter. Criteria: Invitae Variant Classification Sherloc (09022015). Collection method: clinical testing. Allele origin: germline.
Comment: This variant, c.488_490dup, results in the insertion of 1 amino acid(s) of the NPRL3 protein (p.Leu163_Thr164insIle), but otherwise preserves the integrity of the reading frame. This variant is not present in population databases (gnomAD no frequency). This variant has not been reported in the literature in individuals affected with NPRL3-related conditions. In summary, the available evidence is currently insufficient to determine the role of this variant in disease. Therefore, it has been classified as a Variant of Uncertain Significance.

NM_001077350.3(NPRL3):c.488_490dup (p.Leu163_Thr164insIle)

Genes: HBA-LCR (alpha-globin locus control region; plus strand), NPRL3 (NPR3 like, GATOR1 complex subunit; minus strand). Cytogenetic location: 16p13.3.
Variant type: Duplication.
Coding change: c.488_490dup on transcript NM_001077350.3 (MANE Select); coding-DNA positions 488 to 490, 3 bases duplicated (TCA; older notation c.488_490dupTCA).
Protein change: p.Leu163_Thr164insIle.
Molecular consequence: inframe insertion. On other transcripts: 5 prime UTR variant (1).
Genome position (GRCh38, 1-based): chr16:112,679-112,681, TGA duplicated on the plus strand (TCA on the coding strand, the reverse complement: NPRL3 is on the minus strand). VCF-style (leftmost placement, unchanged base first): chr16-112678-G-GTGA. GRCh37 (hg19) VCF-style: chr16-162677-G-GTGA.
Other names: c.-50_-48dup (NM_001039476.3); c.254_256dup, p.Leu85_Thr86insIle (NM_001243247.2); c.413_415dup, p.Leu138_Thr139insIle (NM_001243248.2, NM_001243249.2).
Identifiers: ClinVar variation 2701246 (VCV002701246.3), dbSNP rs2542856161, ClinGen allele CA2697549456.